The following is an entry in ClinVar:

ClinVar aggregate classification (germline): Uncertain significance (1 of 4 stars; one submission).

Conditions:
Marfan syndrome (MFS). Also called: FBN1-Related Marfan Syndrome; MARFAN SYNDROME, TYPE I; Marfan syndrome type 1; Marfan's syndrome; Marfan syndrome, classic. Identifiers: Orphanet 284963, Orphanet 558, MedGen C0024796, MONDO:0007947, OMIM 154700.
Familial thoracic aortic aneurysm and aortic dissection (TAAD). Also called: Thoracic aortic aneurysms and dissections. Identifiers: Orphanet 91387, MedGen C4707243, MONDO:0019625.

Submission:

Labcorp Genetics (formerly Invitae), Labcorp
Classification: Uncertain significance for Marfan syndrome; Familial thoracic aortic aneurysm and aortic dissection. Last evaluated: 2021-08-12. Review status: criteria provided, single submitter. Criteria: Invitae Variant Classification Sherloc (09022015). Collection method: clinical testing. Allele origin: germline.
Comment: This variant results in a copy number gain of the genomic region encompassing exon(s) 54-66 of the FBN1 gene. This region includes the termination codon of the gene. This copy number gain extends beyond the assayed region for this gene and therefore may encompass additional genes. As the precise location of this event is unknown, it may be in tandem or it may be located elsewhere in the genome. A similar copy number variant has been observed in individual(s) with clinical features of FBN1-related conditions (Invitae). Experimental studies and prediction algorithms are not available or were not evaluated, and the functional significance of this variant is currently unknown. In summary, the available evidence is currently insufficient to determine the role of this variant in disease. Therefore, it has been classified as a Variant of Uncertain Significance.

NC_000015.9:g.(?_48703177)_(48726920_?)dup

Gene: FBN1 (fibrillin 1; minus strand). Cytogenetic location: 15q21.1.
Variant type: Duplication.
Identifiers: ClinVar variation 1055978 (VCV001055978.6).